The following is an entry in ClinVar:

NM_001122772.3(AGAP2):c.2951G>T (p.Arg984Leu)

Genes: AGAP2 (ArfGAP with GTPase domain, ankyrin repeat and PH domain 2; minus strand), AGAP2-AS1 (AGAP2 antisense RNA 1; plus strand). Cytogenetic location: 12q14.1.
Variant type: single nucleotide variant.
Coding change: c.2951G>T on transcript NM_001122772.3 (MANE Select); coding-DNA position 2951, G replaced by T.
Protein change: p.Arg984Leu; replaces arginine 984 with leucine.
Molecular consequence: missense variant. On other transcripts: non-coding transcript variant (1).
Genome position (GRCh38, 1-based): chr12:57,727,489, C>A on the plus strand (G>T on the coding strand, the complement: AGAP2 is on the minus strand). VCF-style: chr12-57727489-C-A. GRCh37 (hg19) VCF-style: chr12-58121272-C-A.
Other names: c.1883G>T, p.Arg628Leu (NM_014770.4); short protein forms R628L, R984L.
Identifiers: ClinVar variation 3357478 (VCV003357478.1).
Genomic context (GRCh38, chr12:57,727,489, plus strand): 5'-TTGCCAATAGCCGTCAGCACCAGGGTCAGCTCCCGTGGCCAGTCGTCCAAGTCCAGCGAG[C>A]GAACGCGGGACAGGTGTGTGCCCAGGTTGCGGTGGATGCCAGAACACTCGATGCAGATGA-3'
Protein context (NP_001116244.1, residues 974-994): RNLGTHLSRV[Arg984Leu]SLDLDDWPRE

ClinVar aggregate classification (germline): Uncertain significance (0 of 4 stars; one submission).

Conditions:
AGAP2-related disorder. Also called: AGAP2-related condition.

Submission:

PreventionGenetics, part of Exact Sciences
Classification: Uncertain significance for AGAP2-related condition. Last evaluated: 2024-04-29. Review status: no assertion criteria provided. Collection method: clinical testing. Allele origin: germline.
Comment: The AGAP2 c.2951G>T variant is predicted to result in the amino acid substitution p.Arg984Leu. To our knowledge, this variant has not been reported in the literature or in a large population database, indicating this variant is rare. At this time, the clinical significance of this variant is uncertain due to the absence of conclusive functional and genetic evidence.